The following is an entry in ClinVar:

ClinVar aggregate classification (germline): Likely benign. Review status: criteria provided, multiple submitters, no conflicts (2 of 4 stars). 3 submissions from 3 submitters: Likely benign (3). Last evaluated 2026-07-01.

Allele frequency attached by ClinVar (database versions not stated): gnomAD exomes 0.00003 and 0.00004; ExAC 0.00005; TOPMed 0.00006; ESP Exome Variant Server 0.00008; gnomAD 0.00012.
gnomAD v4.1: 58 of 1,609,362 alleles (0.0036%); highest among the groups gnomAD compares: African/African-American, 0.036%; no homozygotes.

Submissions (3):

CeGaT Center for Human Genetics Tuebingen
Classification: Likely benign. Last evaluated: 2026-07-01. Review status: criteria provided, single submitter. Criteria: CeGaT Center For Human Genetics Tuebingen Variant Classification Criteria Version 2. Collection method: clinical testing. Allele origin: germline. Affected: yes. Observed: 1 variant allele.
Comment: PYCR1: BP4, BP7

Labcorp Genetics (formerly Invitae), Labcorp
Classification: Likely benign. Last evaluated: 2025-07-21. Review status: criteria provided, single submitter. Criteria: Invitae Variant Classification Sherloc (09022015). Collection method: clinical testing. Allele origin: germline.

GeneDx
Classification: Likely benign. Last evaluated: 2021-06-16. Review status: criteria provided, single submitter. Criteria: GeneDx Variant Classification Process June 2021. Collection method: clinical testing. Allele origin: germline. Affected: yes.

NM_006907.4(PYCR1):c.513G>A (p.Thr171=)

Gene: PYCR1 (pyrroline-5-carboxylate reductase 1; minus strand). Cytogenetic location: 17q25.3.
Variant type: single nucleotide variant.
Coding change: c.513G>A on transcript NM_006907.4 (MANE Select); coding-DNA position 513, G replaced by A.
Protein change: p.Thr171=; no amino-acid change (threonine 171 retained).
Molecular consequence: synonymous variant.
Genome position (GRCh38, 1-based): chr17:81,934,953, C>T on the plus strand (G>A on the coding strand, the complement: PYCR1 is on the minus strand). VCF-style: chr17-81934953-C-T. GRCh37 (hg19) VCF-style: chr17-79892829-C-T.
Other names: c.513G>A, p.Thr171= (NM_001282279.2, NM_001282280.2, NM_001330523.2 and 1 more transcripts); c.594G>A, p.Thr198= (NM_001282281.2).
Identifiers: ClinVar variation 1328686 (VCV001328686.12), dbSNP rs375473975, ClinGen allele CA8845426.
Genomic context (GRCh38, chr17:81,934,953, plus strand): 5'-CCCGCCGCCGCCAGCTTCCCCCGCAGTCCTTACGTAGGCGGGGCCGCTGCCACTGAGCCC[C>T]GTGACGGCATCAATCAGGTCCTCTTCCACCTCCGTGCAGAAGCCCACGCTGCTCAGCAGC-3'
Protein context (NP_008838.2, residues 161-181): EVEEDLIDAV[Thr171=]GLSGSGPAYA